The following is an entry in ClinVar:

ClinVar aggregate classification (germline): Pathogenic (1 of 4 stars; one submission).

Submission:

Labcorp Genetics (formerly Invitae), Labcorp
Classification: Pathogenic. Last evaluated: 2023-02-09. Review status: criteria provided, single submitter. Criteria: Invitae Variant Classification Sherloc (09022015). Collection method: clinical testing. Allele origin: germline.
Comment: This variant is not present in population databases (gnomAD no frequency). This variant has not been reported in the literature in individuals affected with ADAMTS17-related conditions. For these reasons, this variant has been classified as Pathogenic. This sequence change creates a premature translational stop signal (p.Lys642Argfs*61) in the ADAMTS17 gene. It is expected to result in an absent or disrupted protein product. Loss-of-function variants in ADAMTS17 are known to be pathogenic (PMID: 19836009, 24940034).

Literature cited by the submitters: PubMed 19836009; PubMed 24940034.

NM_139057.4(ADAMTS17):c.1920del (p.Lys642fs)

Gene: ADAMTS17 (ADAM metallopeptidase with thrombospondin type 1 motif 17; minus strand). Cytogenetic location: 15q26.3.
Variant type: Deletion.
Coding change: c.1920del on transcript NM_139057.4 (MANE Select); coding-DNA position 1920, one base deleted (C; older notation c.1920delC).
Protein change: p.Lys642fs; shifts the reading frame from lysine 642.
Molecular consequence: frameshift variant.
Genome position (GRCh38, 1-based): chr15:100,109,085, G deleted on the plus strand (C on the coding strand, the reverse complement: ADAMTS17 is on the minus strand). VCF-style (leftmost placement, unchanged base first): chr15-100109084-CG-C. GRCh37 (hg19) VCF-style: chr15-100649289-CG-C.
Other names: short protein forms K642fs.
Identifiers: ClinVar variation 2815573 (VCV002815573.3), dbSNP rs2548325639, ClinGen allele CA2739269783.
Genomic context (GRCh38, chr15:100,109,084, plus strand): 5'-AGGGCCCGCAGGGTGTACCGTCCAGGACCCTGTCGGCCACCAGCAGTGGGGACTCCTTCC[CG>C]AGGGGCGAGCAGTAGAGTTCACATGGCTTATCTGAGGAGGGAAAGGTTGGAGGACGTTGA-3'